The following is an entry in ClinVar:

ClinVar aggregate classification (germline): Uncertain significance (1 of 4 stars; one submission).

Conditions:
Congenital sensory neuropathy with selective loss of small myelinated fibers (HSAN5). Also called: HSAN Type V. Identifiers: Orphanet 64752, MedGen C0020075, MONDO:0012092, OMIM 608654.

Allele frequency attached by ClinVar (database versions not stated): gnomAD 0.00001; TOPMed 0.00001; gnomAD exomes 0.00002; ExAC 0.00003; ESP Exome Variant Server 0.00015.
gnomAD v4.1: 14 of 1,614,022 alleles (0.00087%); highest among the groups gnomAD compares: East Asian, 0.0045%; no homozygotes.

Submission:

Labcorp Genetics (formerly Invitae), Labcorp
Classification: Uncertain significance for Congenital sensory neuropathy with selective loss of small myelinated fibers. Last evaluated: 2021-10-14. Review status: criteria provided, single submitter. Criteria: Invitae Variant Classification Sherloc (09022015). Collection method: clinical testing. Allele origin: germline.
Comment: This sequence change replaces alanine with threonine at codon 149 of the NGF protein (p.Ala149Thr). The alanine residue is highly conserved and there is a small physicochemical difference between alanine and threonine. This variant is present in population databases (rs149823633, ExAC 0.01%). This variant has not been reported in the literature in individuals affected with NGF-related conditions. Algorithms developed to predict the effect of missense changes on protein structure and function (SIFT, PolyPhen-2, Align-GVGD) all suggest that this variant is likely to be disruptive. In summary, the available evidence is currently insufficient to determine the role of this variant in disease. Therefore, it has been classified as a Variant of Uncertain Significance.

NM_002506.3(NGF):c.445G>A (p.Ala149Thr)

Genes: NGF (nerve growth factor; minus strand), NGF-AS1 (NGF antisense RNA 1; plus strand). Cytogenetic location: 1p13.2.
Variant type: single nucleotide variant.
Coding change: c.445G>A on transcript NM_002506.3 (MANE Select); coding-DNA position 445, G replaced by A.
Protein change: p.Ala149Thr; replaces alanine 149 with threonine.
Molecular consequence: missense variant.
Genome position (GRCh38, 1-based): chr1:115,286,351, C>T on the plus strand (G>A on the coding strand, the complement: NGF is on the minus strand). VCF-style: chr1-115286351-C-T. GRCh37 (hg19) VCF-style: chr1-115828972-C-T.
Other names: short protein forms A149T.
Identifiers: ClinVar variation 1430945 (VCV001430945.5), dbSNP rs149823633, ClinGen allele CA1022969.
Genomic context (GRCh38, chr1:115,286,351, plus strand): 5'-CACTGTTGTTAATGTTCACCTCTCCCAACACCATCACCTCCTTGCCCTTGATGTCTGTGG[C>T]GGTGGTCTTATCCCCAACCCACACGCTGACACTGTCACACACCGAGAATTCGCCCCTGTG-3'
Protein context (NP_002497.2, residues 139-159): VSVWVGDKTT[Ala149Thr]TDIKGKEVMV